The following is an entry in ClinVar:

NM_020812.4(DOCK6):c.3392del (p.Leu1131fs)

Gene: DOCK6 (dedicator of cytokinesis 6; minus strand). Cytogenetic location: 19p13.2.
Variant type: Deletion.
Coding change: c.3392del on transcript NM_020812.4 (MANE Select); coding-DNA position 3392, one base deleted (T; older notation c.3392delT).
Protein change: p.Leu1131fs; shifts the reading frame from leucine 1131.
Molecular consequence: frameshift variant.
Genome position (GRCh38, 1-based): chr19:11,222,009, A deleted on the plus strand (T on the coding strand, the reverse complement: DOCK6 is on the minus strand); the first of 2 consecutive A bases (chr19:11,222,009-11,222,010); deleting either gives the same sequence. VCF-style (leftmost placement, unchanged base first): chr19-11222008-CA-C. GRCh37 (hg19) VCF-style: chr19-11332684-CA-C.
Other names: c.3497del, p.Leu1166fs (NM_001367830.1); short protein forms L1131fs, L1166fs.
Identifiers: ClinVar variation 2124323 (VCV002124323.4), dbSNP rs2513034053, ClinGen allele CA2580096440.

ClinVar aggregate classification (germline): Pathogenic (1 of 4 stars; one submission).

Submission:

Labcorp Genetics (formerly Invitae), Labcorp
Classification: Pathogenic. Last evaluated: 2025-01-27. Review status: criteria provided, single submitter. Criteria: Invitae Variant Classification Sherloc (09022015). Collection method: clinical testing. Allele origin: germline.
Comment: This sequence change creates a premature translational stop signal (p.Leu1131Cysfs*27) in the DOCK6 gene. It is expected to result in an absent or disrupted protein product. Loss-of-function variants in DOCK6 are known to be pathogenic (PMID: 21820096, 25824905). This variant is not present in population databases (gnomAD no frequency). This variant has not been reported in the literature in individuals affected with DOCK6-related conditions. ClinVar contains an entry for this variant (Variation ID: 2124323). For these reasons, this variant has been classified as Pathogenic.

Literature cited by the submitters: PubMed 21820096; PubMed 25824905.